The following continues an entry in ClinVar:

NM_000535.7(PMS2):c.101G>T (p.Ser34Ile)

Gene: PMS2. ClinVar aggregate classification (germline): Conflicting classifications of pathogenicity. Uncertain significance (12); Benign (1).

Submissions 9 to 13 of 13:

Molecular Pathology, Peter Maccallum Cancer Centre
Classification: Uncertain significance for Lynch syndrome 4. Last evaluated: 2024-09-09. Review status: criteria provided, single submitter. Criteria: ACMG Guidelines, 2015. Collection method: clinical testing. Allele origin: germline. Inheritance: Autosomal dominant inheritance.

Color Diagnostics, LLC DBA Color Health
Classification: Uncertain significance for Hereditary cancer-predisposing syndrome. Last evaluated: 2024-04-18. Review status: criteria provided, single submitter. Criteria: ACMG Guidelines, 2015. Collection method: clinical testing. Allele origin: germline.
Comment: This missense variant replaces serine with isoleucine at codon 34 of the PMS2 protein. Computational prediction suggests that this variant may have deleterious impact on protein structure and function (internally defined REVEL score threshold >= 0.7, PMID: 27666373). To our knowledge, functional studies have not been performed for this variant. This variant has been reported in an individuals affected with breast cancer (PMID: (PMID: 34326862), head and neck squamous cell carcinoma (PMID: 26689913), and pancreatic ductal adenocarcinoma (PMID: 32255556). In a large case-control breast cancer study, this variant was reported in 5/60466 cases and 0/53461 unaffected controls (PMID: 33471991). This variant has been identified in 12/277184 chromosomes in the general population by the Genome Aggregation Database (gnomAD). The available evidence is insufficient to determine the role of this variant in disease conclusively. Therefore, this variant is classified as a Variant of Uncertain Significance.

Baylor Genetics
Classification: Uncertain significance for Lynch syndrome 4. Last evaluated: 2024-02-19. Review status: criteria provided, single submitter. Criteria: ACMG Guidelines, 2015. Collection method: clinical testing. Allele origin: unknown.

Quest Diagnostics Nichols Institute San Juan Capistrano
Classification: Uncertain significance. Last evaluated: 2023-05-18. Review status: criteria provided, single submitter. Criteria: Quest Diagnostics criteria. Collection method: clinical testing. Allele origin: unknown.
Comment: In the published literature, this variant has been reported in an individual affected with pancreatic ductal adenocarcinoma (PDAC) (PMID: 32255556 (2020)), and as a somatic variant in a head and neck squamous cell carcinoma tumor sample (PMID: 26689913 (2015)). It has been reported in individuals with breast cancer in a breast cancer association study (PMID: 33471991 (2021), see also LOVD). One functional analysis suggested that this variant may retain ATPase and DNA-binding abilities while disrupting the structure of the N-terminal domain, but additional functional studies are needed to ascertain the global effect of this variant on gene and gene product (PMID: 32571878 (2020)). The frequency of this variant in the general population, 0.00008 (10/125392 chromosomes (Genome Aggregation Database)), is uninformative in the assessment of its pathogenicity. Analysis of this variant using bioinformatics tools for the prediction of the effect of amino acid changes on protein structure and function yielded conflicting predictions that this variant is benign or damaging. Based on the available information, we are unable to determine the clinical significance of this variant.

Sema4
Classification: Uncertain significance for Hereditary cancer-predisposing syndrome. Last evaluated: 2021-08-02. Review status: criteria provided, single submitter. Criteria: Sema4 Curation Guidelines. Collection method: curation. Allele origin: germline.
Comment: The PMS2 c.101G>T (p.S34I) variant has been reported in heterozygosity in several individuals with breast cancer, pancreatic ductal adenocarcinoma or head/neck squamous cell carcinoma (PMID: 33471991, 32255556, 26689913). This variant was observed in 2/23758 chromosomes in the African population according to the Genome Aggregation Database (PMID: 32461654) and has been reported in ClinVar (Variation ID: 186945). In silico tools suggest the impact of the variant on protein function is deleterious, though these predictions have not been confirmed by functional studies. Based on the current evidence available, this variant is interpreted as a variant of uncertain significance.

Literature cited by the submitters: PubMed 26689913 (cited by 6 submitters); PubMed 32255556 (cited by 6 submitters); PubMed 33471991 (cited by 5 submitters); PubMed 32571878 (cited by Women's Health and Genetics/Laboratory Corporation of America, LabCorp and Quest Diagnostics Nichols Institute San Juan Capistrano); PubMed 34326862 (cited by 3 submitters).